The following is an entry in ClinVar:

ClinVar aggregate classification (germline): Uncertain significance (1 of 4 stars; one submission).

Conditions:
Bethlem myopathy 1A. Also called: Bethlem Muscular Dystrophy; Bethlem myopathy 1; MYOPATHY, BENIGN CONGENITAL, WITH CONTRACTURES. Identifiers: Orphanet 610, MedGen CN029274, MONDO:0024530, OMIM 158810.

Allele frequency attached by ClinVar (database versions not stated): gnomAD exomes 0.00001; TOPMed 0.00001; gnomAD 0.00002.
gnomAD v4.1: 14 of 1,600,160 alleles (0.00087%); highest among the groups gnomAD compares: East Asian, 0.0023%; no homozygotes.

Submission:

Labcorp Genetics (formerly Invitae), Labcorp
Classification: Uncertain significance for Bethlem myopathy 1A. Last evaluated: 2026-01-19. Review status: criteria provided, single submitter. Criteria: Invitae Variant Classification Sherloc (09022015). Collection method: clinical testing. Allele origin: germline.
Comment: This sequence change replaces serine, which is neutral and polar, with leucine, which is neutral and non-polar, at codon 915 of the COL6A2 protein (p.Ser915Leu). This variant is present in population databases (no rsID available, gnomAD 0.008%). This variant has not been reported in the literature in individuals affected with COL6A2-related conditions. ClinVar contains an entry for this variant (Variation ID: 2150495). Invitae Evidence Modeling of protein sequence and biophysical properties (such as structural, functional, and spatial information, amino acid conservation, physicochemical variation, residue mobility, and thermodynamic stability) indicates that this missense variant is expected to disrupt COL6A2 protein function with a positive predictive value of 80%. In summary, the available evidence is currently insufficient to determine the role of this variant in disease. Therefore, it has been classified as a Variant of Uncertain Significance.

NM_001849.4(COL6A2):c.2744C>T (p.Ser915Leu)

Gene: COL6A2 (collagen type VI alpha 2 chain; plus strand). Cytogenetic location: 21q22.3.
Variant type: single nucleotide variant.
Coding change: c.2744C>T on transcript NM_001849.4 (MANE Select); coding-DNA position 2744, C replaced by T.
Protein change: p.Ser915Leu; replaces serine 915 with leucine.
Molecular consequence: missense variant.
Genome position (GRCh38, 1-based): chr21:46,132,236, C>T. VCF-style: chr21-46132236-C-T. GRCh37 (hg19) VCF-style: chr21-47552150-C-T.
Other names: short protein forms S915L.
Identifiers: ClinVar variation 2150495 (VCV002150495.4), dbSNP rs1490253728, ClinGen allele CA410549467.
Genomic context (GRCh38, chr21:46,132,236, plus strand): 5'-GCCACAACCTCACGGCCATCCACGAGGCGCTGGAGACCACACAATACCTGAACTCCTTCT[C>T]GCACGTGGGCGCAGGCGTGGTGCACGCCATCAATGCCATCGTGCGCAGCCCGCGTGGCGG-3'
Protein context (NP_001840.3, residues 905-925): LETTQYLNSF[Ser915Leu]HVGAGVVHAI